The following is an entry in ClinVar:

NM_030665.4(RAI1):c.490G>T (p.Val164Leu)

Gene: RAI1 (retinoic acid induced 1; plus strand). Cytogenetic location: 17p11.2.
Variant type: single nucleotide variant.
Coding change: c.490G>T on transcript NM_030665.4 (MANE Select); coding-DNA position 490, G replaced by T.
Protein change: p.Val164Leu; replaces valine 164 with leucine.
Molecular consequence: missense variant.
Genome position (GRCh38, 1-based): chr17:17,793,438, G>T. VCF-style: chr17-17793438-G-T. GRCh37 (hg19) VCF-style: chr17-17696752-G-T.
Other names: short protein forms V164L.
Identifiers: ClinVar variation 1435947 (VCV001435947.8), dbSNP rs773455928, ClinGen allele CA8418135.

ClinVar aggregate classification (germline): Uncertain significance (1 of 4 stars; one submission).

Allele frequency attached by ClinVar (database versions not stated): gnomAD exomes 0.00001; ExAC 0.00003.
gnomAD v4.1: 15 of 1,613,294 alleles (0.00093%); highest among the groups gnomAD compares: Non-Finnish European, 0.0013%; no homozygotes.

Submission:

Labcorp Genetics (formerly Invitae), Labcorp
Classification: Uncertain significance. Last evaluated: 2023-08-10. Review status: criteria provided, single submitter. Criteria: Invitae Variant Classification Sherloc (09022015). Collection method: clinical testing. Allele origin: germline.
Comment: In summary, the available evidence is currently insufficient to determine the role of this variant in disease. Therefore, it has been classified as a Variant of Uncertain Significance. Advanced modeling of protein sequence and biophysical properties (such as structural, functional, and spatial information, amino acid conservation, physicochemical variation, residue mobility, and thermodynamic stability) performed at Invitae indicates that this missense variant is not expected to disrupt RAI1 protein function. ClinVar contains an entry for this variant (Variation ID: 1435947). This variant has not been reported in the literature in individuals affected with RAI1-related conditions. This variant is present in population databases (rs773455928, gnomAD 0.003%). This sequence change replaces valine, which is neutral and non-polar, with leucine, which is neutral and non-polar, at codon 164 of the RAI1 protein (p.Val164Leu).